The following is an entry in ClinVar:

ClinVar aggregate classification (germline): Conflicting classifications of pathogenicity. Review status: criteria provided, conflicting classifications (1 of 4 stars). 5 submissions from 2 submitters: Uncertain significance (3); Likely benign (2). Last evaluated 2024-11-06.

Conditions:
CFH-Related Dense Deposit Disease / Membranoproliferative Glomerulonephritis Type II. Identifiers: MedGen CN071292.
Age related macular degeneration 4. Identifiers: MedGen C1853147, MONDO:0012540, OMIM 610698.
Hemolytic uremic syndrome, atypical, susceptibility to, 1. Also called: AHUS, SUSCEPTIBILITY TO, 1. Identifiers: Orphanet 2134, Orphanet 90038, MedGen C2749604, MONDO:0009335, OMIM 235400. Disease mechanism: Other.
Basal laminar drusen. Also called: DRUSEN OF BRUCH MEMBRANE; DRUSEN, CUTICULAR; DRUSEN, EARLY ADULT-ONSET, GROUPED. Identifiers: Orphanet 75376, MedGen C0730295, MONDO:0007472, OMIM 126700.

Allele frequency attached by ClinVar (database versions not stated): ExAC 0.00003; TOPMed 0.00004; gnomAD 0.00006; gnomAD exomes 0.00010 and 0.00014.
gnomAD v4.1: 240 of 1,613,748 alleles (0.015%); highest among the groups gnomAD compares: Non-Finnish European, 0.018%; no homozygotes.

Submissions (5):

Blueprint Genetics
Classification: Likely benign. Last evaluated: 2024-11-06. Review status: criteria provided, single submitter. Criteria: ACMG Guidelines, 2015. Collection method: clinical testing. Allele origin: germline.

Illumina Laboratory Services, Illumina
Classification: Uncertain significance for Membranoproliferative glomerulonephritis with complement factor h deficiency. Last evaluated: 2018-01-12. Review status: criteria provided, single submitter. Criteria: ICSL Variant Classification Criteria 13 December 2019. Collection method: clinical testing. Allele origin: germline.

Illumina Laboratory Services, Illumina
Classification: Likely benign for Hemolytic uremic syndrome, atypical, susceptibility to, 1. Last evaluated: 2018-01-12. Review status: criteria provided, single submitter. Criteria: ICSL Variant Classification Criteria 13 December 2019. Collection method: clinical testing. Allele origin: germline.
Comment: This variant was observed in the ICSL laboratory as part of a predisposition screen in an ostensibly healthy population. It had not been previously curated by ICSL or reported in the Human Gene Mutation Database (HGMD: prior to June 1st, 2018), and was therefore a candidate for classification through an automated scoring system. Utilizing variant allele frequency, disease prevalence and penetrance estimates, and inheritance mode, an automated score was calculated to assess if this variant is too frequent to cause the disease. Based on the score and internal cut-off values, a variant classified as likely benign is not then subjected to further curation. The score for this variant resulted in a classification of likely benign for this disease.

Illumina Laboratory Services, Illumina
Classification: Uncertain significance for Age related macular degeneration 4. Last evaluated: 2018-01-12. Review status: criteria provided, single submitter. Criteria: ICSL Variant Classification Criteria 13 December 2019. Collection method: clinical testing. Allele origin: germline.

Illumina Laboratory Services, Illumina
Classification: Uncertain significance for Basal laminar drusen. Last evaluated: 2018-01-12. Review status: criteria provided, single submitter. Criteria: ICSL Variant Classification Criteria 13 December 2019. Collection method: clinical testing. Allele origin: germline.

NM_000186.4(CFH):c.3310+12T>C

Gene: CFH (complement factor H; plus strand). Cytogenetic location: 1q31.3.
Variant type: single nucleotide variant.
Coding change: c.3310+12T>C on transcript NM_000186.4 (MANE Select); 12 bases into the intron after coding-DNA position 3310, T replaced by C.
Molecular consequence: intron variant.
Genome position (GRCh38, 1-based): chr1:196,743,640, T>C. VCF-style: chr1-196743640-T-C. GRCh37 (hg19) VCF-style: chr1-196712770-T-C.
Identifiers: ClinVar variation 294524 (VCV000294524.6), dbSNP rs757045842, ClinGen allele CA1305907.
Genomic context (GRCh38, chr1:196,743,640, plus strand): 5'-GAAGTGATGTGTTTAAATGGAAACTGGACGGAACCACCTCAATGCAAAGGTAGAGTATTA[T>C]ATTTCTTTTAACATTTTGGGGGAGTATAGCAGGGTTAAAATATGTTGATTTAAACAAAAT-3'